The following is an entry in ClinVar:

NC_000009.12:g.114290059del

Gene: COL27A1 (collagen type XXVII alpha 1 chain; plus strand). Cytogenetic location: 9q32.
Variant type: Deletion.
Genome position: GRCh38 VCF-style: chr9-114290056-AG-A. GRCh37 (hg19) VCF-style: chr9-117052336-AG-A.
Identifiers: ClinVar variation 2763432 (VCV002763432.3), dbSNP rs2490277067, ClinGen allele CA2697558025.

ClinVar aggregate classification (germline): Pathogenic (1 of 4 stars; one submission).

Submission:

Labcorp Genetics (formerly Invitae), Labcorp
Classification: Pathogenic. Last evaluated: 2023-09-26. Review status: criteria provided, single submitter. Criteria: Invitae Variant Classification Sherloc (09022015). Collection method: clinical testing. Allele origin: germline.
Comment: For these reasons, this variant has been classified as Pathogenic. Algorithms developed to predict the effect of sequence changes on RNA splicing suggest that this variant may disrupt the consensus splice site. This variant has not been reported in the literature in individuals affected with COL27A1-related conditions. This variant is not present in population databases (gnomAD no frequency). This sequence change creates a premature translational stop signal (p.Gly1403Aspfs*164) in the COL27A1 gene. It is expected to result in an absent or disrupted protein product. Loss-of-function variants in COL27A1 are known to be pathogenic (PMID: 24986830, 28276056).

Literature cited by the submitters: PubMed 24986830; PubMed 28276056.